The following is an entry in ClinVar:

NM_004935.4(CDK5):c.312+3G>A

Gene: CDK5 (cyclin dependent kinase 5; minus strand). Cytogenetic location: 7q36.1.
Variant type: single nucleotide variant.
Coding change: c.312+3G>A on transcript NM_004935.4 (MANE Select); 3 bases into the intron after coding-DNA position 312, G replaced by A.
Molecular consequence: intron variant.
Genome position (GRCh38, 1-based): chr7:151,056,577, C>T on the plus strand (G>A on the coding strand, the complement: CDK5 is on the minus strand). VCF-style: chr7-151056577-C-T. GRCh37 (hg19) VCF-style: chr7-150753664-C-T.
Other names: c.312+3G>A (NM_001164410.3).
Identifiers: ClinVar variation 2766252 (VCV002766252.4), dbSNP rs374501108, ClinGen allele CA4570537.

ClinVar aggregate classification (germline): Benign. Review status: criteria provided, multiple submitters, no conflicts (2 of 4 stars). 2 submissions from 2 submitters: Benign (2). Last evaluated 2026-03-04.

Allele frequency attached by ClinVar (database versions not stated): gnomAD exomes 0.00011; TOPMed 0.00020; gnomAD 0.00022; ExAC 0.00027; ESP Exome Variant Server 0.00050.
gnomAD v4.1: 196 of 1,610,506 alleles (0.012%); highest among the groups gnomAD compares: Admixed American, 0.017%; 2 homozygotes.

Submissions (2):

Women's Health and Genetics/Laboratory Corporation of America, LabCorp
Classification: Benign. Last evaluated: 2026-03-04. Review status: criteria provided, single submitter. Criteria: LabCorp Variant Classification Summary - May 2015. Collection method: clinical testing. Allele origin: germline.
Comment: Variant summary: CDK5 c.312+3G>A alters a conserved nucleotide located close to a canonical splice site and therefore could affect mRNA splicing, leading to a significantly altered protein sequence. Consensus agreement among computation tools predict no significant impact on normal splicing. However, these predictions have yet to be confirmed by functional studies. The variant allele was found at a frequency of 0.00012 in 1610506 control chromosomes, predominantly at a frequency of 0.0051 within the Ashkenazi Jewish subpopulation in the gnomAD database, including 2 homozygotes. The observed variant frequency within Ashkenazi Jewish control individuals in the gnomAD database exceeds the estimated maximal expected allele frequency for disease-causing variants in CDK5. To our knowledge, no occurrence of c.312+3G>A in individuals affected with CDK5-related conditions and no experimental evidence demonstrating its impact on protein function have been reported. ClinVar contains an entry for this variant (Variation ID: 2766252). Based on the evidence outlined above, the variant was classified as benign.

Labcorp Genetics (formerly Invitae), Labcorp
Classification: Benign. Last evaluated: 2025-05-17. Review status: criteria provided, single submitter. Criteria: Invitae Variant Classification Sherloc (09022015). Collection method: clinical testing. Allele origin: germline.